The following is an entry in ClinVar:

ClinVar aggregate classification (germline): Conflicting classifications of pathogenicity. Review status: criteria provided, conflicting classifications (1 of 4 stars). 3 submissions from 3 submitters: Uncertain significance (2); Benign (1). Last evaluated 2023-10-06.

Conditions:
Coffin-Siris syndrome 1 (CSS1). Also called: Mental retardation, autosomal dominant 12; ARID1B-Related Coffin-Siris Syndrome. Identifiers: Orphanet 1465, MedGen C3281201, MONDO:0007617, OMIM 135900. Disease mechanism: gain of function.

Allele frequency attached by ClinVar (database versions not stated): gnomAD exomes 0.00001; TOPMed 0.00001.
gnomAD v4.1: 16 of 1,506,058 alleles (0.0011%); highest among the groups gnomAD compares: East Asian, 0.0056%; no homozygotes.

Submissions (3):

Labcorp Genetics (formerly Invitae), Labcorp
Classification: Benign. Last evaluated: 2023-10-06. Review status: criteria provided, single submitter. Criteria: Invitae Variant Classification Sherloc (09022015). Collection method: clinical testing. Allele origin: germline.

Blueprint Genetics
Classification: Uncertain significance. Last evaluated: 2023-04-04. Review status: criteria provided, single submitter. Criteria: ACMG Guidelines, 2015. Collection method: clinical testing. Allele origin: germline.

Baylor Genetics
Classification: Uncertain significance for Coffin-Siris syndrome 1. Last evaluated: 2019-01-15. Review status: criteria provided, single submitter. Criteria: ACMG Guidelines, 2015. Collection method: clinical testing. Allele origin: unknown. Affected: yes.
Comment: This variant was determined to be of uncertain significance according to ACMG Guidelines, 2015 [PMID:25741868].

NM_001374828.1(ARID1B):c.1114G>A (p.Gly372Arg)

Gene: ARID1B (AT-rich interaction domain 1B; plus strand). Cytogenetic location: 6q25.3.
Variant type: single nucleotide variant.
Coding change: c.1114G>A on transcript NM_001374828.1 (MANE Select); coding-DNA position 1114, G replaced by A.
Protein change: p.Gly372Arg; replaces glycine 372 with arginine.
Molecular consequence: missense variant.
Genome position (GRCh38, 1-based): chr6:156,778,794, G>A. VCF-style: chr6-156778794-G-A. GRCh37 (hg19) VCF-style: chr6-157099928-G-A.
Other names: c.865G>A (NM_020732.3); c.1114G>A, p.Gly372Arg (NM_001371656.1, NM_001374820.1, NM_017519.3); short protein forms G372R.
Identifiers: ClinVar variation 1030722 (VCV001030722.5), dbSNP rs926297805, ClinGen allele CA366383113.
Genomic context (GRCh38, chr6:156,778,794, plus strand): 5'-GCCTCCGCCGCCGCCGCCGGGGCCCCCGGCAGCATGGACCCCCTGCAGAACTCCCACGAA[G>A]GGTACCCCAACAGCCAGTGCAACCATTATCCGGGCTACAGCCGGCCCGGCGCGGGCGGCG-3'
Protein context (NP_001361757.1, residues 362-382): SMDPLQNSHE[Gly372Arg]YPNSQCNHYP